The following is an entry in ClinVar:

NM_005060.4(RORC):c.20G>A (p.Arg7Lys)

Gene: RORC (RAR related orphan receptor C; minus strand). Cytogenetic location: 1q21.3.
Variant type: single nucleotide variant.
Coding change: c.20G>A on transcript NM_005060.4 (MANE Select); coding-DNA position 20, G replaced by A.
Protein change: p.Arg7Lys; replaces arginine 7 with lysine.
Molecular consequence: missense variant.
Genome position (GRCh38, 1-based): chr1:151,831,745, C>T on the plus strand (G>A on the coding strand, the complement: RORC is on the minus strand). VCF-style: chr1-151831745-C-T. GRCh37 (hg19) VCF-style: chr1-151804221-C-T.
Other names: c.20G>A, p.Arg7Lys (LRG_1322t1); short protein forms R7K.
Identifiers: ClinVar variation 648947 (VCV000648947.7), dbSNP rs764892778, ClinGen allele CA1096083.

ClinVar aggregate classification (germline): Uncertain significance (1 of 4 stars; one submission).

Conditions:
Autosomal recessive mendelian susceptibility to mycobacterial diseases due to complete RORgamma receptor deficiency. Also called: Immunodeficiency 42. Identifiers: Orphanet 477857, MedGen C5567647, MONDO:0014710, OMIM 616622.

Allele frequency attached by ClinVar (database versions not stated): gnomAD exomes 0.00001 and 0.00002; ExAC 0.00002; gnomAD 0.00002.
gnomAD v4.1: 21 of 1,610,186 alleles (0.0013%); highest among the groups gnomAD compares: Non-Finnish European, 0.0017%; no homozygotes.

Submission:

Labcorp Genetics (formerly Invitae), Labcorp
Classification: Uncertain significance for Autosomal recessive mendelian susceptibility to mycobacterial diseases due to complete RORgamma receptor deficiency. Last evaluated: 2025-10-09. Review status: criteria provided, single submitter. Criteria: Invitae Variant Classification Sherloc (09022015). Collection method: clinical testing. Allele origin: germline.
Comment: This sequence change replaces arginine, which is basic and polar, with lysine, which is basic and polar, at codon 7 of the RORC protein (p.Arg7Lys). This variant is present in population databases (rs764892778, gnomAD 0.004%). This variant has not been reported in the literature in individuals affected with RORC-related conditions. ClinVar contains an entry for this variant (Variation ID: 648947). An algorithm developed to predict the effect of missense changes on protein structure and function (PolyPhen-2) suggests that this variant is likely to be tolerated. In summary, the available evidence is currently insufficient to determine the role of this variant in disease. Therefore, it has been classified as a Variant of Uncertain Significance.